The following is an entry in ClinVar:

NM_001369.3(DNAH5):c.3734_3735insCGCTGCCATTGCAA (p.Pro1246fs)

Genes: DNAH5 (dynein axonemal heavy chain 5; minus strand), DNAH5-AS1 (DNAH5 antisense RNA 1; plus strand). Cytogenetic location: 5p15.2.
Variant type: Insertion.
Coding change: c.3734_3735insCGCTGCCATTGCAA on transcript NM_001369.3 (MANE Select); coding-DNA positions 3734 to 3735, CGCTGCCATTGCAA inserted.
Protein change: p.Pro1246fs; shifts the reading frame from proline 1246.
Molecular consequence: frameshift variant.
Genome position: GRCh38 VCF-style: chr5-13870866-A-ATTGCAATGGCAGCG. GRCh37 (hg19) VCF-style: chr5-13870975-A-ATTGCAATGGCAGCG.
Other names: short protein forms P1246fs.
Identifiers: ClinVar variation 5010844 (VCV005010844.1).

ClinVar aggregate classification (germline): Pathogenic (1 of 4 stars; one submission).

Conditions:
Primary ciliary dyskinesia 3. Identifiers: Orphanet 244, MedGen C1837618, MONDO:0012085, OMIM 608644.

Submission:

Myriad Genetics, Inc.
Classification: Pathogenic for Primary ciliary dyskinesia 3. Last evaluated: 2024-05-14. Review status: criteria provided, single submitter. Criteria: Myriad Autosomal Dominant, Autosomal Recessive and X-Linked Classification Criteria (2023). Collection method: clinical testing. Allele origin: unknown.
Comment: NM_001369.2(DNAH5):c.3734_3735ins14(P1246Afs*10) is expected to be pathogenic in the context of primary ciliary dyskinesia, DNAH5-related. This variant is predicted to lead to an abnormal or absent protein product due to the creation of a premature termination codon in DNAH5, a gene where loss-of-function variants are known to be pathogenic. Please note: this variant was assessed in the context of healthy population screening.